The following is an entry in ClinVar:

NM_053025.4(MYLK):c.2574G>C (p.Gln858His)

Gene: MYLK (myosin light chain kinase; minus strand). Cytogenetic location: 3q21.1.
Variant type: single nucleotide variant.
Coding change: c.2574G>C on transcript NM_053025.4 (MANE Select); coding-DNA position 2574, G replaced by C.
Protein change: p.Gln858His; replaces glutamine 858 with histidine.
Molecular consequence: missense variant.
Genome position (GRCh38, 1-based): chr3:123,700,894, C>G on the plus strand (G>C on the coding strand, the complement: MYLK is on the minus strand). VCF-style: chr3-123700894-C-G. GRCh37 (hg19) VCF-style: chr3-123419741-C-G.
Other names: c.2046G>C, p.Gln682His (NM_001321309.2); c.2367G>C, p.Gln789His (NM_053026.4, NM_053028.4); c.2574G>C, p.Gln858His (NM_053027.4); short protein forms Q682H, Q789H, Q858H.
Identifiers: ClinVar variation 3670428 (VCV003670428.2).

ClinVar aggregate classification (germline): Uncertain significance (1 of 4 stars; one submission).

Conditions:
Aortic aneurysm, familial thoracic 7 (AAT7). Also called: AORTIC DISSECTION, FAMILIAL, WITH OR WITHOUT AORTIC ANEURYSM. Identifiers: MedGen C3151077, MONDO:0013418, OMIM 613780.

gnomAD v4.1: 3 of 1,612,916 alleles (0.00019%); highest among the groups gnomAD compares: East Asian, 0.0067%; no homozygotes.

Submission:

Labcorp Genetics (formerly Invitae), Labcorp
Classification: Uncertain significance for Aortic aneurysm, familial thoracic 7. Last evaluated: 2024-04-11. Review status: criteria provided, single submitter. Criteria: Invitae Variant Classification Sherloc (09022015). Collection method: clinical testing. Allele origin: germline.
Comment: This sequence change replaces glutamine, which is neutral and polar, with histidine, which is basic and polar, at codon 858 of the MYLK protein (p.Gln858His). This variant is present in population databases (rs763379876, gnomAD 0.01%). This variant has not been reported in the literature in individuals affected with MYLK-related conditions. Advanced modeling of protein sequence and biophysical properties (such as structural, functional, and spatial information, amino acid conservation, physicochemical variation, residue mobility, and thermodynamic stability) performed at Invitae indicates that this missense variant is not expected to disrupt MYLK protein function with a negative predictive value of 80%. In summary, the available evidence is currently insufficient to determine the role of this variant in disease. Therefore, it has been classified as a Variant of Uncertain Significance.